The following is an entry in ClinVar:

NM_145239.3(PRRT2):c.971G>A (p.Gly324Glu)

Genes: MVP-DT (MVP divergent transcript; minus strand), PRRT2 (proline rich transmembrane protein 2; plus strand). Cytogenetic location: 16p11.2.
Variant type: single nucleotide variant.
Coding change: c.971G>A on transcript NM_145239.3 (MANE Select); coding-DNA position 971, G replaced by A.
Protein change: p.Gly324Glu; replaces glycine 324 with glutamic acid.
Molecular consequence: missense variant. On other transcripts: 3 prime UTR variant (1).
Genome position (GRCh38, 1-based): chr16:29,814,424, G>A. VCF-style: chr16-29814424-G-A. GRCh37 (hg19) VCF-style: chr16-29825745-G-A.
Other names: c.971G>A, p.Gly324Glu (NM_001256442.2); c.*470G>A (NM_001256443.2); short protein forms G324E.
Identifiers: ClinVar variation 945026 (VCV000945026.41), dbSNP rs796052938, ClinGen allele CA395480741.

ClinVar aggregate classification (germline): Pathogenic/Likely pathogenic. Review status: criteria provided, multiple submitters, no conflicts (2 of 4 stars). 4 submissions from 4 submitters: Pathogenic (3); Likely pathogenic (1). Last evaluated 2025-09-21.

Conditions:
Seizure. Also called: Seizures. Identifiers: MedGen C0036572, HP:0001250.
Episodic kinesigenic dyskinesia (EKD). Also called: Paroxysmal kinesigenic dyskinesia. Identifiers: Orphanet 98809, MedGen C1868682, MONDO:0044202.

Submissions (4):

Dasa
Classification: Likely pathogenic. Last evaluated: 2025-09-21. Review status: criteria provided, single submitter. Criteria: DASA Assertion Criteria. Collection method: clinical testing. Allele origin: germline.
Comment: NM_145239.3(PRRT2):c.971G>A (p.Gly324Glu) is a missense variant that results in the substitution of glycine with glutamic acid. The affected residue or protein region has prior evidence supporting clinical relevance. This variant has been reported in individuals with PRRT2-related disorders (PMID: 23077026). Segregation data support an association with disease in the reported family/families (PMID: 23077026). Functional evidence supports an impact on the gene or gene product (PMID: 31124310). Also, this variant is absent from population databases. Based on the currently available evidence, this variant is classified as likely pathogenic.

Cytogénomique, Hospices Civils de Lyon
Classification: Pathogenic for Seizure. Last evaluated: 2024-11-04. Review status: criteria provided, single submitter. Criteria: ACMG Guidelines, 2015. Collection method: clinical testing. Allele origin: unknown. Affected: yes.

CeGaT Center for Human Genetics Tuebingen
Classification: Pathogenic. Last evaluated: 2022-12-01. Review status: criteria provided, single submitter. Criteria: CeGaT Center For Human Genetics Tuebingen Variant Classification Criteria Version 2. Collection method: clinical testing. Allele origin: germline. Affected: yes. Observed: 1 variant allele.
Comment: PRRT2: PM1, PM2, PM5, PS3:Moderate, PP3, PS4:Supporting

Labcorp Genetics (formerly Invitae), Labcorp
Classification: Pathogenic for Episodic kinesigenic dyskinesia. Last evaluated: 2022-07-21. Review status: criteria provided, single submitter. Criteria: Invitae Variant Classification Sherloc (09022015). Collection method: clinical testing. Allele origin: germline.
Comment: This sequence change replaces glycine, which is neutral and non-polar, with glutamic acid, which is acidic and polar, at codon 324 of the PRRT2 protein (p.Gly324Glu). For these reasons, this variant has been classified as Pathogenic. This variant disrupts the p.Gly324 amino acid residue in PRRT2. Other variant(s) that disrupt this residue have been observed in individuals with PRRT2-related conditions (PMID: 23077026), which suggests that this may be a clinically significant amino acid residue. Experimental studies have shown that this missense change affects PRRT2 function (PMID: 30980674). Algorithms developed to predict the effect of missense changes on protein structure and function are either unavailable or do not agree on the potential impact of this missense change (SIFT: "Deleterious"; PolyPhen-2: "Probably Damaging"; Align-GVGD: "Class C0"). ClinVar contains an entry for this variant (Variation ID: 945026). This missense change has been observed in individual(s) with PRRT2-related seizures (PMID: 23077026; Invitae). In at least one individual the variant was observed to be de novo. It has also been observed to segregate with disease in related individuals. This variant is not present in population databases (gnomAD no frequency).

Literature cited by the submitters: PubMed 40401013 (cited by Dasa); PubMed 31124310 (cited by Dasa); PubMed 23077026 (cited by Dasa and Labcorp Genetics (formerly Invitae), Labcorp); PubMed 30980674 (cited by Dasa and Labcorp Genetics (formerly Invitae), Labcorp).